The following is an entry in ClinVar:

NM_000836.4(GRIN2D):c.2657T>C (p.Leu886Pro)

Gene: GRIN2D (glutamate ionotropic receptor NMDA type subunit 2D; plus strand). Cytogenetic location: 19q13.33.
Variant type: single nucleotide variant.
Coding change: c.2657T>C on transcript NM_000836.4 (MANE Select); coding-DNA position 2657, T replaced by C.
Protein change: p.Leu886Pro; replaces leucine 886 with proline.
Molecular consequence: missense variant.
Genome position (GRCh38, 1-based): chr19:48,442,366, T>C. VCF-style: chr19-48442366-T-C. GRCh37 (hg19) VCF-style: chr19-48945623-T-C.
Other names: short protein forms L886P.
Identifiers: ClinVar variation 3655270 (VCV003655270.2).
Genomic context (GRCh38, chr19:48,442,366, plus strand): 5'-AGCACCTGGTGTACTGGCGCCTGCGGCACTGCCTGGGGCCCACCCACCGCATGGACTTCC[T>C]GCTGGCCTTCTCCAGGGTATGGGGCAGAGAGGGAGGCAGAGAGGGGGAGATGGCAGGGGC-3'
Protein context (NP_000827.2, residues 876-896): CLGPTHRMDF[Leu886Pro]LAFSRGMYSC

ClinVar aggregate classification (germline): Uncertain significance (1 of 4 stars; one submission).

Submission:

Labcorp Genetics (formerly Invitae), Labcorp
Classification: Uncertain significance. Last evaluated: 2024-06-03. Review status: criteria provided, single submitter. Criteria: Invitae Variant Classification Sherloc (09022015). Collection method: clinical testing. Allele origin: germline.
Comment: This sequence change replaces leucine, which is neutral and non-polar, with proline, which is neutral and non-polar, at codon 886 of the GRIN2D protein (p.Leu886Pro). This variant is present in population databases (rs756680919, gnomAD 0.002%). This variant has not been reported in the literature in individuals affected with GRIN2D-related conditions. An algorithm developed to predict the effect of missense changes on protein structure and function (PolyPhen-2) suggests that this variant is likely to be disruptive. In summary, the available evidence is currently insufficient to determine the role of this variant in disease. Therefore, it has been classified as a Variant of Uncertain Significance.